The following is an entry in ClinVar:

NM_198239.2(CCN6):c.40_44del (p.Leu14fs)

Gene: CCN6 (cellular communication network factor 6; plus strand). Cytogenetic location: 6q21.
Variant type: Microsatellite.
Coding change: c.40_44del on transcript NM_198239.2 (MANE Select); coding-DNA positions 40 to 44, 5 bases deleted (CTGGC; older notation c.40_44delCTGGC).
Protein change: p.Leu14fs; shifts the reading frame from leucine 14.
Molecular consequence: frameshift variant. On other transcripts: non-coding transcript variant (2).
Genome position (GRCh38, 1-based): chr6:112,054,397-112,054,401, CTGGC deleted; deleting any 5 consecutive bases within chr6:112,054,392-112,054,401 gives the same sequence; the c. name uses the placement nearest the transcript's 3' end. VCF-style (leftmost placement, unchanged base first): chr6-112054391-GCTGGC-G. GRCh37 (hg19) VCF-style: chr6-112375594-GCTGGC-G.
Other names: c.40_44del, p.Leu14fs (NM_003880.4); c.40_44delCTGGC (NM_003880.3); short protein forms L14fs.
Identifiers: ClinVar variation 2445700 (VCV002445700.5), dbSNP rs2546914056, ClinGen allele CA2580617324.

ClinVar aggregate classification (germline): Pathogenic/Likely pathogenic. Review status: criteria provided, multiple submitters, no conflicts (2 of 4 stars). 3 submissions from 3 submitters: Pathogenic (1); Likely pathogenic (2). Last evaluated 2024-01-31.

Conditions:
Progressive pseudorheumatoid dysplasia (PPRD). Also called: Progressive Pseudorheumatoid Arthropathy of Childhood; SPONDYLOEPIPHYSEAL DYSPLASIA TARDA WITH PROGRESSIVE ARTHROPATHY. Identifiers: Orphanet 1159, MedGen C0432215, MONDO:0008827, OMIM 208230. Disease mechanism: loss of function.
WISP3-related disorders.

Submissions (3):

Labcorp Genetics (formerly Invitae), Labcorp
Classification: Pathogenic. Last evaluated: 2024-01-31. Review status: criteria provided, single submitter. Criteria: Invitae Variant Classification Sherloc (09022015). Collection method: clinical testing. Allele origin: germline.
Comment: This sequence change creates a premature translational stop signal (p.Leu14Thrfs*17) in the WISP3 gene. It is expected to result in an absent or disrupted protein product. Loss-of-function variants in WISP3 are known to be pathogenic (PMID: 22791401). This variant is not present in population databases (gnomAD no frequency). This variant has not been reported in the literature in individuals affected with WISP3-related conditions. ClinVar contains an entry for this variant (Variation ID: 2445700). For these reasons, this variant has been classified as Pathogenic.

Women's Health and Genetics/Laboratory Corporation of America, LabCorp
Classification: Likely pathogenic for Progressive pseudorheumatoid dysplasia. Last evaluated: 2023-02-28. Review status: criteria provided, single submitter. Criteria: LabCorp Variant Classification Summary - May 2015. Collection method: clinical testing. Allele origin: germline.
Comment: Variant summary: CCN6 c.40_44delCTGGC (p.Leu14ThrfsX17) results in a premature termination codon, predicted to cause a truncation of the encoded protein or absence of the protein due to nonsense mediated decay, which are commonly known mechanisms for disease. Truncations downstream of this position have been reported in HGMD in association with Pseudorheumatoid dysplasia, progressive. The variant was absent in 251302 control chromosomes. To our knowledge, no occurrence of c.40_44delCTGGC in individuals affected with Progressive Pseudorheumatoid Dysplasia and no experimental evidence demonstrating its impact on protein function have been reported. No clinical diagnostic laboratories have submitted clinical-significance assessments for this variant to ClinVar after 2014. Based on the evidence outlined above, the variant was classified as likely pathogenic.

Blueprint Genetics
Classification: Likely pathogenic for WISP3-related disorders. Last evaluated: 2021-01-19. Review status: criteria provided, single submitter. Criteria: ACMG Guidelines, 2015. Collection method: clinical testing. Allele origin: germline. Affected: yes. Observed: 4 variant alleles.

Literature cited by the submitters: PubMed 22791401 (cited by Labcorp Genetics (formerly Invitae), Labcorp).